The following is an entry in ClinVar:

ClinVar aggregate classification (germline): Pathogenic. Review status: reviewed by expert panel (3 of 4 stars). 3 submissions from 3 submitters: Pathogenic (1). 2 of the submissions do not count toward it. Last evaluated 2016-10-18.

Conditions:
Hereditary breast ovarian cancer syndrome. Also called: Hereditary breast and ovarian cancer syndrome (HBOC); Breast and ovarian cancer; Hereditary breast and ovarian cancer syndrome; Hereditary breast and ovarian cancer; BRCA1- and BRCA2-Associated Hereditary Breast and Ovarian Cancer; Hereditary breast and/or ovarian cancer syndrome. Identifiers: Orphanet 145, MedGen C0677776, MeSH D061325, MONDO:0003582. Disease mechanism: loss of function.
Breast-ovarian cancer, familial, susceptibility to, 1 (BROVCA1). Also called: BRCA1 Hereditary Breast and Ovarian Cancer; OVARIAN CANCER, SUSCEPTIBILITY TO. Identifiers: Orphanet 145, MedGen C2676676, MONDO:0011450, OMIM 604370. Disease mechanism: loss of function.

Submissions (3):

Evidence-based Network for the Interpretation of Germline Mutant Alleles (ENIGMA)
Classification: Pathogenic for Breast-ovarian cancer, familial, susceptibility to, 1. Last evaluated: 2016-10-18. Review status: reviewed by expert panel. Criteria: ENIGMA BRCA1/2 Classification Criteria (2015). Collection method: curation. Allele origin: germline.
Comment: Variant allele predicted to encode a truncated non-functional protein.

Labcorp Genetics (formerly Invitae), Labcorp
Classification: Pathogenic for Hereditary breast ovarian cancer syndrome. Last evaluated: 2017-01-14. Review status: criteria provided, single submitter. Criteria: Invitae Variant Classification Sherloc (09022015). Collection method: clinical testing. Allele origin: germline. Not counted in ClinVar's aggregate classification.
Comment: For these reasons, this variant has been classified as Pathogenic. While this particular variant has not been reported in the literature, loss-of-function variants in BRCA1 are known to be pathogenic (PMID: 20104584). This sequence change deletes 1 nucleotide from exon 10 of the BRCA1 mRNA (c.862delA), causing a frameshift at codon 288. This creates a premature translational stop signal (p.Ser288Alafs*10) and is expected to result in an absent or disrupted protein product.

Consortium of Investigators of Modifiers of BRCA1/2 (CIMBA), c/o University of Cambridge
Classification: Pathogenic for Breast-ovarian cancer, familial, susceptibility to, 1. Last evaluated: 2015-10-02. Review status: criteria provided, single submitter. Criteria: CIMBA Mutation Classification guidelines May 2016. Collection method: clinical testing. Allele origin: germline. Not counted in ClinVar's aggregate classification.

Literature cited by the submitters: PubMed 20104584 (cited by Labcorp Genetics (formerly Invitae), Labcorp).

NM_007294.4(BRCA1):c.862del (p.Ser288fs)

Gene: BRCA1 (BRCA1 DNA repair associated; minus strand). Cytogenetic location: 17q21.31.
Variant type: Deletion.
Coding change: c.862del on transcript NM_007294.4 (MANE Select); coding-DNA position 862, one base deleted (A; older notation c.862delA).
Protein change: p.Ser288fs; shifts the reading frame from serine 288.
Molecular consequence: frameshift variant. On other transcripts: 5 prime UTR variant (2), intron variant (137).
Genome position (GRCh38, 1-based): chr17:43,094,669, T deleted on the plus strand (A on the coding strand, the reverse complement: BRCA1 is on the minus strand). VCF-style (leftmost placement, unchanged base first): chr17-43094668-CT-C. GRCh37 (hg19) VCF-style: chr17-41246685-CT-C.
Other names: 981delA; c.649del, p.Ser217fs (NM_001407571.1, NM_001407853.1, NM_001407894.1 and 9 more transcripts); c.862del, p.Ser288fs (NM_001407581.1, NM_001407582.1, NM_001407583.1 and 30 more transcripts); c.859del, p.Ser287fs (NM_001407587.1, NM_001407590.1, NM_001407591.1 and 22 more transcripts); c.853del, p.Ser285fs (NM_001407646.1, NM_001407647.1); c.739del, p.Ser247fs (NM_001407648.1, NM_001407664.1, NM_001407665.1 and 19 more transcripts); c.736del, p.Ser246fs (NM_001407649.1, NM_001407670.1, NM_001407671.1 and 11 more transcripts); c.784del, p.Ser262fs (NM_001407653.1, NM_001407654.1, NM_001407655.1 and 4 more transcripts); and 41 more; short protein forms S241fs, S288fs, S221fs, S240fs, S247fs, S176fs, S200fs, S220fs.
Identifiers: ClinVar variation 266587 (VCV000266587.12), dbSNP rs886040327, ClinGen allele CA10589986.